The following is an entry in ClinVar:

ClinVar aggregate classification (germline): Uncertain significance (1 of 4 stars; one submission).

Conditions:
X-linked myopathy with postural muscle atrophy. Also called: FHL1-Related Emery-Dreifuss Muscular Dystrophy, X-Linked. Identifiers: Orphanet 178461, MedGen C2678055, MONDO:0010401, OMIM 300696.

Submission:

Labcorp Genetics (formerly Invitae), Labcorp
Classification: Uncertain significance for X-linked myopathy with postural muscle atrophy. Last evaluated: 2023-11-02. Review status: criteria provided, single submitter. Criteria: Invitae Variant Classification Sherloc (09022015). Collection method: clinical testing. Allele origin: germline.
Comment: This sequence change replaces cysteine, which is neutral and slightly polar, with arginine, which is basic and polar, at codon 10 of the FHL1 protein (p.Cys10Arg). This variant is not present in population databases (gnomAD no frequency). This missense change has been observed in individual(s) with hypertrophic cardiomyopathy (Invitae). It has also been observed to segregate with disease in related individuals. ClinVar contains an entry for this variant (Variation ID: 1433016). An algorithm developed to predict the effect of missense changes on protein structure and function (PolyPhen-2) suggests that this variant is likely to be disruptive. In summary, the available evidence is currently insufficient to determine the role of this variant in disease. Therefore, it has been classified as a Variant of Uncertain Significance.

NM_001159699.2(FHL1):c.76T>C (p.Cys26Arg)

Gene: FHL1 (four and a half LIM domains 1; plus strand). Cytogenetic location: Xq26.3.
Variant type: single nucleotide variant.
Coding change: c.76T>C on transcript NM_001159699.2 (MANE Select); coding-DNA position 76, T replaced by C.
Protein change: p.Cys26Arg; replaces cysteine 26 with arginine.
Molecular consequence: missense variant. On other transcripts: non-coding transcript variant (1).
Genome position (GRCh38, 1-based): chrX:136,206,460, T>C. VCF-style: chrX-136206460-T-C. GRCh37 (hg19) VCF-style: chrX-135288619-T-C.
Other names: c.28T>C, p.Cys10Arg (NM_001159700.2, NM_001159702.3, NM_001159703.2 and 9 more transcripts); c.115T>C, p.Cys39Arg (NM_001159701.2); c.76T>C, p.Cys26Arg (NM_001330659.2); short protein forms C26R, C39R, C10R.
Identifiers: ClinVar variation 1433016 (VCV001433016.8), dbSNP rs2148371530, ClinGen allele CA414607420.